The following is an entry in ClinVar:

NM_182746.3(MCM4):c.1283G>A (p.Arg428His)

Gene: MCM4 (minichromosome maintenance complex component 4; plus strand). Cytogenetic location: 8q11.21.
Variant type: single nucleotide variant.
Coding change: c.1283G>A on transcript NM_182746.3 (MANE Select); coding-DNA position 1283, G replaced by A.
Protein change: p.Arg428His; replaces arginine 428 with histidine.
Molecular consequence: missense variant.
Genome position (GRCh38, 1-based): chr8:47,969,906, G>A. VCF-style: chr8-47969906-G-A. GRCh37 (hg19) VCF-style: chr8-48882466-G-A.
Other names: c.1283G>A, p.Arg428His (NM_005914.4); short protein forms R428H.
Identifiers: ClinVar variation 4714410 (VCV004714410.1).

ClinVar aggregate classification (germline): Uncertain significance (1 of 4 stars; one submission).

gnomAD v4.1: 10 of 1,614,094 alleles (0.00062%); highest among the groups gnomAD compares: East Asian, 0.0022%; no homozygotes.

Submission:

Labcorp Genetics (formerly Invitae), Labcorp
Classification: Uncertain significance. Last evaluated: 2025-07-10. Review status: criteria provided, single submitter. Criteria: Invitae Variant Classification Sherloc (09022015). Collection method: clinical testing. Allele origin: germline.
Comment: This sequence change replaces arginine, which is basic and polar, with histidine, which is basic and polar, at codon 428 of the MCM4 protein (p.Arg428His). This variant is present in population databases (rs376187463, gnomAD 0.01%). This variant has not been reported in the literature in individuals affected with MCM4-related conditions. An algorithm developed to predict the effect of missense changes on protein structure and function (PolyPhen-2) suggests that this variant is likely to be disruptive. In summary, the available evidence is currently insufficient to determine the role of this variant in disease. Therefore, it has been classified as a Variant of Uncertain Significance.